The following is an entry in ClinVar:

ClinVar aggregate classification (germline): Uncertain significance. Review status: criteria provided, single submitter (1 of 4 stars). 2 submissions from 2 submitters: Uncertain significance (1). 1 of the submissions does not count toward it. Last evaluated 2023-06-03.

Conditions:
Orofacial-digital syndrome III (OFD3). Also called: SUGARMAN SYNDROME; Orofaciodigital syndrome III; OFDS III; ORAL-FACIAL-DIGITAL SYNDROME, TYPE III. Identifiers: Orphanet 2752, MedGen C0406726, MONDO:0009793, OMIM 258850.

Submissions (2):

Labcorp Genetics (formerly Invitae), Labcorp
Classification: Uncertain significance. Last evaluated: 2023-06-03. Review status: criteria provided, single submitter. Criteria: Invitae Variant Classification Sherloc (09022015). Collection method: clinical testing. Allele origin: germline.
Comment: This variant, c.8235_8246dup, results in the insertion of 4 amino acid(s) of the CELSR2 protein (p.Glu2749_Glu2752dup), but otherwise preserves the integrity of the reading frame. This variant is present in population databases (rs773722162, gnomAD 0.01%). This variant has been observed in individual(s) with orofaciodigital syndrome (PMID: 27894351). ClinVar contains an entry for this variant (Variation ID: 266080). Experimental studies and prediction algorithms are not available or were not evaluated, and the functional significance of this variant is currently unknown. In summary, the available evidence is currently insufficient to determine the role of this variant in disease. Therefore, it has been classified as a Variant of Uncertain Significance.

Genomic Medicine Center of Excellence, King Faisal Specialist Hospital and Research Centre
Classification: Likely pathogenic for Oral-facial-digital syndrome. Review status: no assertion criteria provided. Collection method: research. Allele origin: germline. Affected: yes. Observed: 1 homozygote. Not counted in ClinVar's aggregate classification.
Comment: Autozygosity mapping. CELSR2 has been shown to be required for ciliogenesis (Tissir et al. 2010).

Literature cited by the submitters: PubMed 27894351 (cited by Labcorp Genetics (formerly Invitae), Labcorp).

NM_001408.3(CELSR2):c.8235_8246dup (p.Glu2749_Glu2752dup)

Gene: CELSR2 (cadherin EGF LAG seven-pass G-type receptor 2; plus strand). Cytogenetic location: 1p13.3.
Variant type: Duplication.
Coding change: c.8235_8246dup on transcript NM_001408.3 (MANE Select); coding-DNA positions 8235 to 8246, 12 bases duplicated (AGAAGAGGAGGA).
Protein change: p.Glu2749_Glu2752dup.
Molecular consequence: inframe insertion.
Genome position (GRCh38, 1-based): chr1:109,272,924-109,272,935, AGAAGAGGAGGA duplicated; duplicating any 12 consecutive bases within chr1:109,272,916-109,272,935 gives the same sequence; the c. name uses the placement nearest the transcript's 3' end. VCF-style (leftmost placement, unchanged base first): chr1-109272915-T-TGAGGAGGAAGAA. GRCh37 (hg19) VCF-style: chr1-109815537-T-TGAGGAGGAAGAA.
Identifiers: ClinVar variation 266080 (VCV000266080.4), dbSNP rs773722162, ClinGen allele CA988508.